The following is an entry in ClinVar:

ClinVar aggregate classification (germline): Uncertain significance (1 of 4 stars; one submission).

Conditions:
Early-infantile DEE. Also called: Early infantile epileptic encephalopathy; Early infantile epileptic encephalopathy with suppression bursts; Ohtahara syndrome. Identifiers: Orphanet 1934, MedGen C0393706, MONDO:0800491.

gnomAD v4.1: 2 of 1,609,912 alleles (0.00012%); highest among the groups gnomAD compares: African/African-American, 0.0013%; no homozygotes.

Submission:

Labcorp Genetics (formerly Invitae), Labcorp
Classification: Uncertain significance for Early-infantile DEE. Last evaluated: 2024-04-27. Review status: criteria provided, single submitter. Criteria: Invitae Variant Classification Sherloc (09022015). Collection method: clinical testing. Allele origin: germline.
Comment: This sequence change replaces arginine, which is basic and polar, with methionine, which is neutral and non-polar, at codon 344 of the SCN8A protein (p.Arg344Met). This variant is not present in population databases (gnomAD no frequency). This variant has not been reported in the literature in individuals affected with SCN8A-related conditions. Advanced modeling of protein sequence and biophysical properties (such as structural, functional, and spatial information, amino acid conservation, physicochemical variation, residue mobility, and thermodynamic stability) performed at Invitae indicates that this missense variant is expected to disrupt SCN8A protein function with a positive predictive value of 80%. In summary, the available evidence is currently insufficient to determine the role of this variant in disease. Therefore, it has been classified as a Variant of Uncertain Significance.

NM_001330260.2(SCN8A):c.1031G>T (p.Arg344Met)

Gene: SCN8A (sodium voltage-gated channel alpha subunit 8; plus strand). Cytogenetic location: 12q13.13.
Variant type: single nucleotide variant.
Coding change: c.1031G>T on transcript NM_001330260.2 (MANE Select); coding-DNA position 1031, G replaced by T.
Protein change: p.Arg344Met; replaces arginine 344 with methionine.
Molecular consequence: missense variant.
Genome position (GRCh38, 1-based): chr12:51,702,811, G>T. VCF-style: chr12-51702811-G-T. GRCh37 (hg19) VCF-style: chr12-52096595-G-T.
Other names: c.1031G>T, p.Arg344Met (NM_001177984.3, NM_001369788.1, NM_014191.4); short protein forms R344M.
Identifiers: ClinVar variation 3704678 (VCV003704678.2).